The following is an entry in ClinVar:

Conditions:
Breast-ovarian cancer, familial, susceptibility to, 1 (BROVCA1). Also called: BRCA1 Hereditary Breast and Ovarian Cancer; OVARIAN CANCER, SUSCEPTIBILITY TO. Identifiers: Orphanet 145, MedGen C2676676, MONDO:0011450, OMIM 604370. Disease mechanism: loss of function.

Submission:

Brotman Baty Institute, University of Washington
No classification provided (evidence only). Condition: Breast-ovarian cancer, familial 1. Review status: no classification provided. Collection method: in vitro. Allele origin: not applicable. Functional consequence: functionally_normal.
ClinVar note: "not provided" was previously submitted as the classification for the variant. However, the classification appeared to be based only on an observation of functional data so it was converted to no classification on 2025-07-30.

NM_007294.4(BRCA1):c.90G>A (p.Leu30=)

Gene: BRCA1 (BRCA1 DNA repair associated; minus strand). Cytogenetic location: 17q21.31.
Variant type: single nucleotide variant.
Coding change: c.90G>A on transcript NM_007294.4 (MANE Select); coding-DNA position 90, G replaced by A.
Protein change: p.Leu30=; no amino-acid change (leucine 30 retained).
Molecular consequence: synonymous variant. On other transcripts: 5 prime UTR variant (132), intron variant (41).
Genome position (GRCh38, 1-based): chr17:43,115,770, C>T on the plus strand (G>A on the coding strand, the complement: BRCA1 is on the minus strand). VCF-style: chr17-43115770-C-T. GRCh37 (hg19) VCF-style: chr17-41267787-C-T.
Other names: c.90G>A, p.Leu30= (NM_001407990.1, NM_001407991.1, NM_001407992.1 and 192 more transcripts); c.-52G>A (NM_001408410.1, NM_001408452.1, NM_001408453.1 and 47 more transcripts); c.-168G>A (NM_001408455.1, NM_001408456.1, NM_001408468.1 and 13 more transcripts); c.-172G>A (NM_001408465.1, NM_001407695.1); c.-99G>A (NM_001408478.1, NM_001408479.1, NM_001408480.1 and 52 more transcripts); c.-215G>A (NM_001408492.1, NM_001407889.1, NM_001407900.1); c.-214G>A (NM_001408510.1, NM_001408512.1, NM_001407960.1 and 1 more transcripts); c.-219+9507G>A (NM_001407967.1); and 10 more.
Identifiers: ClinVar variation 865104 (VCV000865104.3), dbSNP rs2055260326, ClinGen allele CA500130081.